The following is an entry in ClinVar:

ClinVar aggregate classification (germline): Uncertain significance (1 of 4 stars; one submission).

Conditions:
Epidermolysis bullosa simplex with nail dystrophy (EBS5D). Identifiers: MedGen C4225309, MONDO:0014661, OMIM 616487.
Epidermolysis bullosa simplex 5C, with pyloric atresia (EBS5C). Also called: PLEC-Related Epidermolysis Bullosa with Pyloric Atresia; Epidermolysis bullosa simplex with pyloric atresia; PLEC1-Related Epidermolysis Bullosa with Pyloric Atresia. Identifiers: Orphanet 158684, MedGen C2677349, MONDO:0012807, OMIM 612138.
Autosomal recessive limb-girdle muscular dystrophy type 2Q (LGMDR17). Also called: MUSCULAR DYSTROPHY, LIMB-GIRDLE, AUTOSOMAL RECESSIVE 17. Identifiers: Orphanet 254361, MedGen C3150989, MONDO:0013390, OMIM 613723.
Epidermolysis bullosa simplex, Ogna type (EBS5A). Also called: Pidermolysis bullosa simplex 5A, Ogna type; EPIDERMOLYSIS BULLOSA SIMPLEX 5A, OGNA TYPE. Identifiers: Orphanet 79401, MedGen C0432317, MONDO:0007555, OMIM 131950.
Epidermolysis bullosa simplex 5B, with muscular dystrophy (EBS5B). Also called: EPIDERMOLYSIS BULLOSA SIMPLEX AND LIMB-GIRDLE MUSCULAR DYSTROPHY; Epidermolysis bullosa simplex with muscular dystrophy. Identifiers: Orphanet 257, MedGen C2931072, MONDO:0009181, OMIM 226670.

Allele frequency attached by ClinVar (database versions not stated): gnomAD exomes below 0.00001.
gnomAD v4.1: 2 of 1,544,428 alleles (0.00013%); highest among the groups gnomAD compares: Admixed American, 0.0019%; no homozygotes.

Submission:

Labcorp Genetics (formerly Invitae), Labcorp
Classification: Uncertain significance for Autosomal recessive limb-girdle muscular dystrophy type 2Q; Epidermolysis bullosa simplex, Ogna type; Epidermolysis bullosa simplex with nail dystrophy; Epidermolysis bullosa simplex 5C, with pyloric atresia; Epidermolysis bullosa simplex 5B, with muscular dystrophy. Last evaluated: 2023-10-05. Review status: criteria provided, single submitter. Criteria: Invitae Variant Classification Sherloc (09022015). Collection method: clinical testing. Allele origin: germline.
Comment: This sequence change replaces alanine, which is neutral and non-polar, with threonine, which is neutral and polar, at codon 1820 of the PLEC protein (p.Ala1820Thr). This variant is not present in population databases (gnomAD no frequency). This variant has not been reported in the literature in individuals affected with PLEC-related conditions. Advanced modeling of protein sequence and biophysical properties (such as structural, functional, and spatial information, amino acid conservation, physicochemical variation, residue mobility, and thermodynamic stability) performed at Invitae indicates that this missense variant is not expected to disrupt PLEC protein function. In summary, the available evidence is currently insufficient to determine the role of this variant in disease. Therefore, it has been classified as a Variant of Uncertain Significance.

NM_201384.3(PLEC):c.5377G>A (p.Ala1793Thr)

Gene: PLEC (plectin; minus strand). Cytogenetic location: 8q24.3.
Variant type: single nucleotide variant.
Coding change: c.5377G>A on transcript NM_201384.3 (MANE Select); coding-DNA position 5377, G replaced by A.
Protein change: p.Ala1793Thr; replaces alanine 1793 with threonine.
Molecular consequence: missense variant. On other transcripts: intron variant (1).
Genome position (GRCh38, 1-based): chr8:143,924,552, C>T on the plus strand (G>A on the coding strand, the complement: PLEC is on the minus strand). VCF-style: chr8-143924552-C-T. GRCh37 (hg19) VCF-style: chr8-144998720-C-T.
Other names: c.5458G>A, p.Ala1820Thr (NM_000445.5); c.5335G>A, p.Ala1779Thr (NM_201378.4); c.5311G>A, p.Ala1771Thr (NM_201379.3); c.5788G>A, p.Ala1930Thr (NM_201380.4); c.5281G>A, p.Ala1761Thr (NM_201381.3); c.5377G>A, p.Ala1793Thr (NM_201382.4); c.5389G>A, p.Ala1797Thr (NM_201383.3); c.4126-2157G>A (NM_001410941.1); short protein forms A1761T, A1793T, A1797T, A1930T, A1771T, A1779T, A1820T.
Identifiers: ClinVar variation 2934684 (VCV002934684.3), dbSNP rs2537924936, ClinGen allele CA372545645.